The following is an entry in ClinVar:

ClinVar aggregate classification (germline): Uncertain significance (1 of 4 stars; one submission).

Conditions:
Episodic ataxia type 2 (EA2). Also called: ACETAZOLAMIDE-RESPONSIVE HEREDITARY PAROXYSMAL CEREBELLAR ATAXIA; ATAXIA, EPISODIC, WITH NYSTAGMUS; ATAXIA, FAMILIAL PAROXYSMAL; CEREBELLAR ATAXIA, PAROXYSMAL, ACETAZOLAMIDE-RESPONSIVE; CEREBELLOPATHY, HEREDITARY PAROXYSMAL; EPISODIC ATAXIA, NYSTAGMUS-ASSOCIATED. Identifiers: Orphanet 97, MedGen C1720416, MONDO:0007163, OMIM 108500.
Developmental and epileptic encephalopathy, 42 (DEE42A). Also called: Epileptic encephalopathy, early infantile, 42; DEVELOPMENTAL AND EPILEPTIC ENCEPHALOPATHY 42A; EPILEPTIC ENCEPHALOPATHY, EARLY INFANTILE, 42A. Identifiers: MedGen C4310716, MONDO:0014917, OMIM 617106.

Submission:

Labcorp Genetics (formerly Invitae), Labcorp
Classification: Uncertain significance for Developmental and epileptic encephalopathy, 42; Episodic ataxia type 2. Last evaluated: 2025-05-30. Review status: criteria provided, single submitter. Criteria: Invitae Variant Classification Sherloc (09022015). Collection method: clinical testing. Allele origin: germline.
Comment: This sequence change replaces arginine, which is basic and polar, with glycine, which is neutral and non-polar, at codon 1546 of the CACNA1A protein (p.Arg1546Gly). This variant is not present in population databases (gnomAD no frequency). This variant has not been reported in the literature in individuals affected with CACNA1A-related conditions. Invitae Evidence Modeling of protein sequence and biophysical properties (such as structural, functional, and spatial information, amino acid conservation, physicochemical variation, residue mobility, and thermodynamic stability) has been performed for this missense variant. However, the output from this modeling did not meet the statistical confidence thresholds required to predict the impact of this variant on CACNA1A protein function. In summary, the available evidence is currently insufficient to determine the role of this variant in disease. Therefore, it has been classified as a Variant of Uncertain Significance.

NM_001127222.2(CACNA1A):c.4633C>G (p.Arg1545Gly)

Gene: CACNA1A (calcium voltage-gated channel subunit alpha1 A; minus strand). Cytogenetic location: 19p13.13.
Variant type: single nucleotide variant.
Coding change: c.4633C>G on transcript NM_001127222.2 (MANE Select); coding-DNA position 4633, C replaced by G.
Protein change: p.Arg1545Gly; replaces arginine 1545 with glycine.
Molecular consequence: missense variant.
Genome position (GRCh38, 1-based): chr19:13,255,217, G>C on the plus strand (C>G on the coding strand, the complement: CACNA1A is on the minus strand). VCF-style: chr19-13255217-G-C. GRCh37 (hg19) VCF-style: chr19-13366031-G-C.
Other names: c.4636C>G, p.Arg1546Gly (NM_001174080.2, NM_001127221.2); c.4645C>G, p.Arg1549Gly (NM_023035.3, NM_000068.4); short protein forms R1545G, R1546G, R1549G.
Identifiers: ClinVar variation 4789720 (VCV004789720.1).